The following is an entry in ClinVar:

ClinVar aggregate classification (germline): Uncertain significance (1 of 4 stars; one submission).

Conditions:
Emery-Dreifuss muscular dystrophy (EDMD). Also called: Scapuloperoneal syndrome, X-linked (formerly); Humeroperoneal neuromuscular disease, (formerly). Identifiers: Orphanet 261, MedGen C0410189, MONDO:0016830.

gnomAD v4.1: 16 of 1,611,406 alleles (0.00099%); highest among the groups gnomAD compares: East Asian, 0.011%; 1 homozygote.

Submission:

Labcorp Genetics (formerly Invitae), Labcorp
Classification: Uncertain significance for Emery-Dreifuss muscular dystrophy. Last evaluated: 2026-01-16. Review status: criteria provided, single submitter. Criteria: Invitae Variant Classification Sherloc (09022015). Collection method: clinical testing. Allele origin: germline.
Comment: This sequence change replaces leucine, which is neutral and non-polar, with valine, which is neutral and non-polar, at codon 65 of the SUN1 protein (p.Leu65Val). This variant is present in population databases (rs774353215, gnomAD 0.01%). This variant has not been reported in the literature in individuals affected with SUN1-related conditions. An algorithm developed to predict the effect of missense changes on protein structure and function outputs the following: PolyPhen-2: "Benign". The valine amino acid residue is found in multiple mammalian species, which suggests that this missense change does not adversely affect protein function. In summary, the available evidence is currently insufficient to determine the role of this variant in disease. Therefore, it has been classified as a Variant of Uncertain Significance.

NM_001130965.3(SUN1):c.193C>G (p.Leu65Val)

Gene: SUN1 (Sad1 and UNC84 domain containing 1; plus strand). Cytogenetic location: 7p22.3.
Variant type: single nucleotide variant.
Coding change: c.193C>G on transcript NM_001130965.3 (MANE Select); coding-DNA position 193, C replaced by G.
Protein change: p.Leu65Val; replaces leucine 65 with valine.
Molecular consequence: missense variant. On other transcripts: 5 prime UTR variant (2), non-coding transcript variant (3), intron variant (2).
Genome position (GRCh38, 1-based): chr7:838,913, C>G. VCF-style: chr7-838913-C-G. GRCh37 (hg19) VCF-style: chr7-878550-C-G.
Other names: c.193C>G, p.Leu65Val (NM_001171944.2, NM_001171946.2, NM_001367633.1 and 34 more transcripts); c.256C>G, p.Leu86Val (NM_001171945.2); c.-265C>G (NM_001367635.1); c.43C>G, p.Leu15Val (NM_001367636.1, NM_001367637.1, NM_001367644.1 and 24 more transcripts); c.412C>G, p.Leu138Val (NM_001367651.1); c.-569C>G (NM_001367658.1); c.78-3033C>G (NM_001367695.1); c.-301-3033C>G (NM_001367639.1); short protein forms L138V, L15V, L65V, L86V.
Identifiers: ClinVar variation 4797430 (VCV004797430.1).